The following is an entry in ClinVar:

ClinVar aggregate classification (germline): Uncertain significance (1 of 4 stars; one submission).

Conditions:
Dilated cardiomyopathy 1M (CMD1M). Identifiers: Orphanet 154, MedGen C1843808, MONDO:0011840, OMIM 607482.
Hypertrophic cardiomyopathy 12. Identifiers: MedGen C2677491, MONDO:0012804, OMIM 612124.

Submission:

Labcorp Genetics (formerly Invitae), Labcorp
Classification: Uncertain significance for Hypertrophic cardiomyopathy 12; Dilated cardiomyopathy 1M. Last evaluated: 2024-09-02. Review status: criteria provided, single submitter. Criteria: Invitae Variant Classification Sherloc (09022015). Collection method: clinical testing. Allele origin: germline.
Comment: This sequence change replaces glutamic acid, which is acidic and polar, with alanine, which is neutral and non-polar, at codon 165 of the CSRP3 protein (p.Glu165Ala). This variant is not present in population databases (gnomAD no frequency). This variant has not been reported in the literature in individuals affected with CSRP3-related conditions. An algorithm developed to predict the effect of missense changes on protein structure and function (PolyPhen-2) suggests that this variant is likely to be disruptive. In summary, the available evidence is currently insufficient to determine the role of this variant in disease. Therefore, it has been classified as a Variant of Uncertain Significance.

NM_003476.5(CSRP3):c.494A>C (p.Glu165Ala)

Gene: CSRP3 (cysteine and glycine rich protein 3; minus strand). Cytogenetic location: 11p15.1.
Variant type: single nucleotide variant.
Coding change: c.494A>C on transcript NM_003476.5 (MANE Select); coding-DNA position 494, A replaced by C.
Protein change: p.Glu165Ala; replaces glutamic acid 165 with alanine.
Molecular consequence: missense variant.
Genome position (GRCh38, 1-based): chr11:19,184,966, T>G on the plus strand (A>C on the coding strand, the complement: CSRP3 is on the minus strand). VCF-style: chr11-19184966-T-G. GRCh37 (hg19) VCF-style: chr11-19206513-T-G.
Other names: c.325A>C, p.Asn109His (NM_001369404.1); short protein forms E165A, N109H.
Identifiers: ClinVar variation 3763501 (VCV003763501.2).